The following is an entry in ClinVar:

ClinVar aggregate classification (germline): Uncertain significance (1 of 4 stars; one submission).

Conditions:
Familial thoracic aortic aneurysm and aortic dissection (TAAD). Also called: Thoracic aortic aneurysms and dissections. Identifiers: Orphanet 91387, MedGen C4707243, MONDO:0019625.

Submission:

Ambry Genetics
Classification: Uncertain significance for Familial thoracic aortic aneurysm and aortic dissection. Last evaluated: 2026-07-02. Review status: criteria provided, single submitter. Criteria: Ambry Variant Classification Scheme 2023. Collection method: clinical testing. Allele origin: germline.
Comment: The p.D783G variant (also known as c.2348A>G), located in coding exon 18 of the MYH11 gene, results from an A to G substitution at nucleotide position 2348. The aspartic acid at codon 783 is replaced by glycine, an amino acid with similar properties. This amino acid position is conserved. In addition, this alteration is predicted to be deleterious by in silico analysis. Based on the available evidence, the clinical significance of this variant remains unclear.

NM_002474.3(MYH11):c.2348A>G (p.Asp783Gly)

Gene: MYH11 (myosin heavy chain 11; minus strand). Cytogenetic location: 16p13.11.
Variant type: single nucleotide variant.
Coding change: c.2348A>G on transcript NM_002474.3 (MANE Select); coding-DNA position 2348, A replaced by G.
Protein change: p.Asp783Gly; replaces aspartic acid 783 with glycine.
Molecular consequence: missense variant.
Genome position (GRCh38, 1-based): chr16:15,747,633, T>C on the plus strand (A>G on the coding strand, the complement: MYH11 is on the minus strand). VCF-style: chr16-15747633-T-C. GRCh37 (hg19) VCF-style: chr16-15841490-T-C.
Other names: c.2369A>G, p.Asp790Gly (NM_001040114.2, NM_001040113.2); c.2348A>G, p.Asp783Gly (NM_022844.3); short protein forms D790G, D783G.
Identifiers: ClinVar variation 5025063 (VCV005025063.1).
Genomic context (GRCh38, chr16:15,747,633, plus strand): 5'-CTGGCCAAGTAGCCACGACACATCGCCTGGAAGGCCATGATGACATCGGTGATCTTCAAA[T>C]CTCGCTCCTCCTCTAGGTGGGCCAGGACGCCAGTTCGGAAGAAGATTTTGCTCTGCCCTA-3'
Protein context (NP_002465.1, residues 773-793): GVLAHLEEER[Asp783Gly]LKITDVIMAF